The following is an entry in ClinVar:

NM_000235.4(LIPA):c.618_627del (p.Ala207fs)

Gene: LIPA (lipase A, lysosomal acid type; minus strand). Cytogenetic location: 10q23.31.
Variant type: Deletion.
Coding change: c.618_627del on transcript NM_000235.4 (MANE Select); coding-DNA positions 618 to 627, 10 bases deleted (CGCCTTCTGT; older notation c.618_627delCGCCTTCTGT).
Protein change: p.Ala207fs; shifts the reading frame from alanine 207.
Molecular consequence: frameshift variant.
Genome position (GRCh38, 1-based): chr10:89,225,140-89,225,149, ACAGAAGGCG deleted on the plus strand (CGCCTTCTGT on the coding strand, the reverse complement: LIPA is on the minus strand); deleting any 10 consecutive bases within chr10:89,225,140-89,225,151 gives the same sequence; the c. name uses the placement nearest the transcript's 3' end. VCF-style (leftmost placement, unchanged base first): chr10-89225139-TACAGAAGGCG-T. GRCh37 (hg19) VCF-style: chr10-90984896-TACAGAAGGCG-T.
Other names: c.618_627del, p.Ala207fs (NM_001127605.3); c.270_279del, p.Ala91fs (NM_001288979.2); short protein forms A91fs, A207fs.
Identifiers: ClinVar variation 2836288 (VCV002836288.3), dbSNP rs2495584620, ClinGen allele CA2739275880.
Genomic context (GRCh38, chr10:89,225,139, plus strand): 5'-GGGGTCCAAGTACCTTAATGAGATGATCTGGTAATCGTCCTAATTTGGCCATAGGGCTAG[TACAGAAGGCG>T]ACGGAAGCCACAGGACCCAGGGCAAAAAACATTTTAATCCTTTTAGCCAGCTCAGGGATC-3'

ClinVar aggregate classification (germline): Pathogenic (1 of 4 stars; one submission).

Conditions:
Wolman disease (WOLD). Also called: Acid cholesteryl ester hydrolase deficiency, Wolman type; Acid lipase disease; Wolman disease, CESD; Wolman disease with hypolipoproteinemia and acanthocytosis; LYSOSOMAL ACID LIPASE DEFICIENCY, ACUTE INFANTILE; LYSOSOMAL ACID LIPASE DEFICIENCY, COMPLETE. Identifiers: Orphanet 75233, MedGen C0043208, MONDO:0019148, OMIM 620151.

Submission:

Labcorp Genetics (formerly Invitae), Labcorp
Classification: Pathogenic for Wolman disease. Last evaluated: 2023-02-11. Review status: criteria provided, single submitter. Criteria: Invitae Variant Classification Sherloc (09022015). Collection method: clinical testing. Allele origin: germline.
Comment: This sequence change creates a premature translational stop signal (p.Ala207Leufs*7) in the LIPA gene. It is expected to result in an absent or disrupted protein product. Loss-of-function variants in LIPA are known to be pathogenic (PMID: 23485521). This variant is not present in population databases (gnomAD no frequency). This variant has not been reported in the literature in individuals affected with LIPA-related conditions. For these reasons, this variant has been classified as Pathogenic.

Literature cited by the submitters: PubMed 23485521.